The following is an entry in ClinVar:

NM_139027.6(ADAMTS13):c.1852C>G (p.Pro618Ala)

Gene: ADAMTS13 (ADAM metallopeptidase with thrombospondin type 1 motif 13; plus strand). Cytogenetic location: 9q34.2.
Variant type: single nucleotide variant.
Coding change: c.1852C>G on transcript NM_139027.6 (MANE Select); coding-DNA position 1852, C replaced by G.
Protein change: p.Pro618Ala; replaces proline 618 with alanine.
Molecular consequence: missense variant. On other transcripts: non-coding transcript variant (1).
Genome position (GRCh38, 1-based): chr9:133,440,409, C>G. VCF-style: chr9-133440409-C-G. GRCh37 (hg19) VCF-style: chr9-136305530-C-G.
Other names: c.1852C>G, p.Pro618Ala (NM_139025.5); c.1759C>G, p.Pro587Ala (NM_139026.6); c.1852C>G (NM_139025.3); short protein forms P618A, P587A.
Identifiers: ClinVar variation 262430 (VCV000262430.17), dbSNP rs28647808, ClinGen allele CA10587034.

ClinVar aggregate classification (germline): Benign/Likely benign. Review status: criteria provided, multiple submitters, no conflicts (2 of 4 stars). 5 submissions from 5 submitters: Benign (3); Likely benign (2). Last evaluated 2026-02-04.

Allele frequency attached by ClinVar (database versions not stated): 1000 Genomes Project 30x 0.03014; 1000 Genomes Project 0.03235; TOPMed 0.05562; gnomAD 0.05805 and 0.05902; gnomAD exomes 0.06052 and 0.07809; ESP Exome Variant Server 0.06312; ExAC 0.06314.
gnomAD v4.1: 122,540 of 1,613,908 alleles (7.6%); highest among the groups gnomAD compares: Non-Finnish European, 8.9%; 5,313 homozygotes.

Submissions (5):

Labcorp Genetics (formerly Invitae), Labcorp
Classification: Benign. Last evaluated: 2026-02-04. Review status: criteria provided, single submitter. Criteria: Invitae Variant Classification Sherloc (09022015). Collection method: clinical testing. Allele origin: germline.

Blueprint Genetics
Classification: Likely benign. Last evaluated: 2024-11-27. Review status: criteria provided, single submitter. Criteria: ACMG Guidelines, 2015. Collection method: clinical testing. Allele origin: germline.

GeneDx
Classification: Benign. Last evaluated: 2021-06-09. Review status: criteria provided, single submitter. Criteria: GeneDx Variant Classification Process June 2021. Collection method: clinical testing. Allele origin: germline. Affected: yes.
Comment: This variant is associated with the following publications: (PMID: 16160007, 26139087, 26284228, 28939980, 23733198, 32531546, 23847193, 22768050, 25934476, 12614216)

Breakthrough Genomics
Classification: Likely benign. Review status: criteria provided, single submitter. Criteria: ACMG Guidelines, 2015. Collection method: not provided. Allele origin: germline. Inheritance: Autosomal recessive inheritance. Affected: yes.

PreventionGenetics, part of Exact Sciences
Classification: Benign. Review status: criteria provided, single submitter. Criteria: ACMG Guidelines, 2015. Collection method: clinical testing. Allele origin: germline.